The following is an entry in ClinVar:

NM_001164508.2(NEB):c.24209_24212dup (p.Leu8071fs)

Genes: RIF1 (replication timing regulatory factor 1; plus strand), NEB (nebulin; minus strand). Cytogenetic location: 2q23.3.
Variant type: Duplication.
Coding change: c.24209_24212dup on transcript NM_001164508.2 (MANE Select); coding-DNA positions 24209 to 24212, 4 bases duplicated (TGTT; older notation c.24209_24212dupTGTT).
Protein change: p.Leu8071fs; shifts the reading frame from leucine 8071.
Molecular consequence: frameshift variant. On other transcripts: intron variant (1).
Genome position (GRCh38, 1-based): chr2:151,497,714-151,497,717, AACA duplicated on the plus strand (TGTT on the coding strand, the reverse complement: NEB is on the minus strand). VCF-style (leftmost placement, unchanged base first): chr2-151497713-T-TAACA. GRCh37 (hg19) VCF-style: chr2-152354227-T-TAACA.
Other names: c.24314_24317dupTGTT (NM_001271208.1); c.24209_24212dup, p.Leu8071fs (NM_001164507.2); c.24314_24317dup, p.Leu8106fs (NM_001271208.2); c.18826-1349_18826-1346dup (NM_004543.5); short protein forms L8106fs, L8071fs.
Identifiers: ClinVar variation 465579 (VCV000465579.27), dbSNP rs781667543, ClinGen allele CA1906120.
Genomic context (GRCh38, chr2:151,497,713, plus strand): 5'-GACTCTTTCCATCTCGGGAGTGACAGGTAAAGGGGTTCCCTTGCCCATGTTTTCTTTGTA[T>TAACA]AACACCTGTGCGATAAGAAAGCATCCAGAAAAACAACCATGAGTAACATTTCATTTCTTG-3'

ClinVar aggregate classification (germline): Pathogenic/Likely pathogenic. Review status: criteria provided, multiple submitters, no conflicts (2 of 4 stars). 10 submissions from 10 submitters: Pathogenic (8); Likely pathogenic (1). 1 of the submissions does not count toward it. Last evaluated 2025-06-18.

Conditions:
Arthrogryposis multiplex congenita 6. Identifiers: MedGen C5543431, MONDO:0030281, OMIM 619334.
NEB-related disorder. Also called: NEB-Related Disorders; NEB-related condition.
Nemaline myopathy. Also called: Myopathies, Nemaline. Identifiers: Orphanet 607, MedGen C0206157, MONDO:0018958.
Nemaline myopathy 2 (NEM2). Also called: Nemaline myopathy 2, autosomal recessive. Identifiers: MedGen C1850569, MONDO:0009725, OMIM 256030.

Submissions (10):

PreventionGenetics, part of Exact Sciences
Classification: Pathogenic for NEB-related condition. Last evaluated: 2025-06-18. Review status: criteria provided, single submitter. Criteria: ACMG Guidelines, 2015. Collection method: clinical testing. Allele origin: germline.
Comment: The NEB c.24314_24317dupTGTT variant is predicted to result in a frameshift and premature protein termination (p.Leu8106Phefs*30). This variant has been reported with a second NEB variant in individuals with nemaline myopathy (Lehtokari et al. 2014. PubMed ID: 25205138; Wang et al. 2020. PubMed ID: 32222963). This variant is reported in 0.011% of alleles in individuals of European (Finnish) descent in gnomAD. Frameshift variants in NEB are expected to be pathogenic. This variant is interpreted as pathogenic.

Labcorp Genetics (formerly Invitae), Labcorp
Classification: Pathogenic for Nemaline myopathy 2. Last evaluated: 2025-05-07. Review status: criteria provided, single submitter. Criteria: Invitae Variant Classification Sherloc (09022015). Collection method: clinical testing. Allele origin: germline.
Comment: This sequence change creates a premature translational stop signal (p.Leu8106Phefs*30) in the NEB gene. It is expected to result in an absent or disrupted protein product. Loss-of-function variants in NEB are known to be pathogenic (PMID: 25205138). This variant is present in population databases (rs781667543, gnomAD 0.01%). This variant has not been reported in the literature in individuals affected with NEB-related conditions. ClinVar contains an entry for this variant (Variation ID: 465579). Algorithms developed to predict the effect of sequence changes on RNA splicing suggest that this variant may disrupt the consensus splice site. For these reasons, this variant has been classified as Pathogenic.

GeneDx
Classification: Pathogenic. Last evaluated: 2025-04-18. Review status: criteria provided, single submitter. Criteria: GeneDx Variant Classification Process June 2021. Collection method: clinical testing. Allele origin: germline. Affected: yes.
Comment: Frameshift variant predicted to result in protein truncation or nonsense mediated decay in a gene for which loss of function is a known mechanism of disease; Not observed at significant frequency in large population cohorts (gnomAD); Also known as c.24209_24212dupTGTT (p.L8071fs) using alternate nomenclature; This variant is associated with the following publications: (PMID: 25205138, 38544359, 32222963, 26019235)

Natera, Inc.
Classification: Pathogenic for Nemaline myopathy type 2. Last evaluated: 2025-01-16. Review status: criteria provided, single submitter. Criteria: Natera Variant Classification Schema (03/2026). Collection method: clinical testing. Allele origin: germline.
Comment: The c.24314_24317dup variant in NEB is a frameshift variant predicted to shift the reading frame beginning at codon 8106 and leads to a stop codon 30 codons downstream. This variant is expected to result in nonsense mediated decay, truncation, or a dysfunctional protein product. This variant is rare in the general population with a frequency below the threshold expected for the associated phenotype(s). This variant has been observed in one or more individuals affected with the associated recessive disease, as either homozygous or compound heterozygous with a second variant (PMID: 26019235, 25205138). Given the available evidence, this variant is classified as Pathogenic.

Baylor Genetics
Classification: Likely pathogenic for Arthrogryposis multiplex congenita 6. Last evaluated: 2024-03-12. Review status: criteria provided, single submitter. Criteria: ACMG Guidelines, 2015. Collection method: clinical testing. Allele origin: unknown.

Revvity Omics, Revvity
Classification: Pathogenic. Last evaluated: 2021-12-23. Review status: criteria provided, single submitter. Criteria: ACMG Guidelines, 2015. Collection method: clinical testing. Allele origin: germline.

Women's Health and Genetics/Laboratory Corporation of America, LabCorp
Classification: Pathogenic for Nemaline myopathy. Last evaluated: 2021-04-26. Review status: criteria provided, single submitter. Criteria: LabCorp Variant Classification Summary - May 2015. Collection method: clinical testing. Allele origin: germline.
Comment: Variant summary: NEB c.24314_24317dupTGTT (p.Leu8106PhefsX30) results in a premature termination codon, predicted to cause a truncation of the encoded protein or absence of the protein due to nonsense mediated decay, which are commonly known mechanisms for disease. Truncations downstream of this position have been classified as pathogenic by our laboratory. The variant allele was found at a frequency of 1e-05 in 192310 control chromosomes. c.24314_24317dupTGTT has been reported in the literature in individuals affected with Nemaline Myopathy (e.g. Lehtokari_2014, Rokach_2015, Wang_2020). These data indicate that the variant is likely to be associated with disease. To our knowledge, no experimental evidence demonstrating an impact on protein function has been reported. Three other clinical diagnostic laboratories have submitted clinical-significance assessments for this variant to ClinVar after 2014 without evidence for independent evaluation. All laboratories cited the variant as pathogenic/likely pathogenic. Based on the evidence outlined above, the variant was classified as pathogenic.

Institute of Human Genetics Munich, TUM University Hospital
Classification: Pathogenic for Nemaline myopathy 2. Last evaluated: 2018-10-12. Review status: criteria provided, single submitter. Criteria: Classification criteria August 2017. Collection method: clinical testing. Allele origin: de novo. Inheritance: Autosomal recessive inheritance. Affected: yes. Observed: 1 compound heterozygote.

Juno Genomics, Hangzhou Juno Genomics, Inc
Classification: Pathogenic for Nemaline myopathy 2. Review status: criteria provided, single submitter. Criteria: ACMG Guidelines, 2015. Collection method: clinical testing. Allele origin: germline.
Comment: Absent from controls (or at extremely low frequency if recessive) in Genome Aggregation Database.;Null variant in a gene where loss of function (LOF) is a known mechanism of disease.;For recessive disorders, detected in trans with a pathogenic variant.

Counsyl
Classification: Likely pathogenic for Nemaline myopathy 2. Last evaluated: 2017-05-23. Review status: no assertion criteria provided. Collection method: clinical testing. Allele origin: unknown. Not counted in ClinVar's aggregate classification.

Literature cited by the submitters: PubMed 25205138 (cited by 4 submitters); PubMed 26019235 (cited by Natera, Inc. and Women's Health and Genetics/Laboratory Corporation of America, LabCorp); PubMed 32222963 (cited by Women's Health and Genetics/Laboratory Corporation of America, LabCorp).